The following is an entry in ClinVar:

NM_004211.5(SLC6A5):c.1592G>A (p.Arg531His)

Gene: SLC6A5 (solute carrier family 6 member 5; plus strand). Cytogenetic location: 11p15.1.
Variant type: single nucleotide variant.
Coding change: c.1592G>A on transcript NM_004211.5 (MANE Select); coding-DNA position 1592, G replaced by A.
Protein change: p.Arg531His; replaces arginine 531 with histidine.
Molecular consequence: missense variant.
Genome position (GRCh38, 1-based): chr11:20,630,783, G>A. VCF-style: chr11-20630783-G-A. GRCh37 (hg19) VCF-style: chr11-20652329-G-A.
Other names: c.890G>A, p.Arg297His (NM_001318369.2); c.1592G>A (NM_004211.3); short protein forms R297H, R531H.
Identifiers: ClinVar variation 1353410 (VCV001353410.8), dbSNP rs1216195877, ClinGen allele CA379917595.
Genomic context (GRCh38, chr11:20,630,783, plus strand): 5'-CCACAAGCATCTTTGCCGGCTTCGTCATCTTCTCCGTTATCGGCTTCATGGCCAATGAAC[G>A]CAAAGTCAACATTGAGAATGTGGCAGACCAAGGTACAGGACAGTTGTTACCCTGCTGTTG-3'
Protein context (NP_004202.4, residues 521-541): FSVIGFMANE[Arg531His]KVNIENVADQ

ClinVar aggregate classification (germline): Uncertain significance. Review status: criteria provided, multiple submitters, no conflicts (2 of 4 stars). 2 submissions from 2 submitters: Uncertain significance (2). Last evaluated 2025-08-12.

Conditions:
Inborn genetic diseases. Identifiers: MedGen C0950123, MeSH D030342.
Hyperekplexia 3 (HKPX3). Also called: HYPEREKPLEXIA 3, AUTOSOMAL RECESSIVE; HYPEREKPLEXIA 3, AUTOSOMAL DOMINANT. Identifiers: Orphanet 3197, MedGen C3553288, MONDO:0013827, OMIM 614618.

gnomAD v4.1: 4 of 1,614,148 alleles (0.00025%); highest among the groups gnomAD compares: Admixed American, 0.0017%; no homozygotes.

Submissions (2):

Ambry Genetics
Classification: Uncertain significance for Inborn genetic diseases. Last evaluated: 2025-08-12. Review status: criteria provided, single submitter. Criteria: Ambry Variant Classification Scheme 2023. Collection method: clinical testing. Allele origin: germline.

Labcorp Genetics (formerly Invitae), Labcorp
Classification: Uncertain significance for Hyperekplexia 3. Last evaluated: 2021-02-08. Review status: criteria provided, single submitter. Criteria: Invitae Variant Classification Sherloc (09022015). Collection method: clinical testing. Allele origin: germline.
Comment: Advanced modeling of protein sequence and biophysical properties (such as structural, functional, and spatial information, amino acid conservation, physicochemical variation, residue mobility, and thermodynamic stability) performed at Invitae indicates that this missense variant is not expected to disrupt SLC6A5 protein function. In summary, the available evidence is currently insufficient to determine the role of this variant in disease. Therefore, it has been classified as a Variant of Uncertain Significance. This variant has not been reported in the literature in individuals with SLC6A5-related conditions. This variant is not present in population databases (ExAC no frequency). This sequence change replaces arginine with histidine at codon 531 of the SLC6A5 protein (p.Arg531His). The arginine residue is moderately conserved and there is a small physicochemical difference between arginine and histidine.